The following is an entry in ClinVar:

NM_002291.3(LAMB1):c.1662C>G (p.His554Gln)

Gene: LAMB1 (laminin subunit beta 1; minus strand). Cytogenetic location: 7q31.1.
Variant type: single nucleotide variant.
Coding change: c.1662C>G on transcript NM_002291.3 (MANE Select); coding-DNA position 1662, C replaced by G.
Protein change: p.His554Gln; replaces histidine 554 with glutamine.
Molecular consequence: missense variant.
Genome position (GRCh38, 1-based): chr7:107,964,588, G>C on the plus strand (C>G on the coding strand, the complement: LAMB1 is on the minus strand). VCF-style: chr7-107964588-G-C. GRCh37 (hg19) VCF-style: chr7-107605033-G-C.
Other names: short protein forms H554Q.
Identifiers: ClinVar variation 1952679 (VCV001952679.24), dbSNP rs2535461540, ClinGen allele CA368871908.

ClinVar aggregate classification (germline): Uncertain significance. Review status: criteria provided, multiple submitters, no conflicts (2 of 4 stars). 2 submissions from 2 submitters: Uncertain significance (2). Last evaluated 2024-05-01.

Submissions (2):

CeGaT Center for Human Genetics Tuebingen
Classification: Uncertain significance. Last evaluated: 2024-05-01. Review status: criteria provided, single submitter. Criteria: CeGaT Center For Human Genetics Tuebingen Variant Classification Criteria Version 2. Collection method: clinical testing. Allele origin: germline. Affected: yes. Observed: 1 variant allele.
Comment: LAMB1: PM2

Labcorp Genetics (formerly Invitae), Labcorp
Classification: Uncertain significance. Last evaluated: 2023-12-16. Review status: criteria provided, single submitter. Criteria: Invitae Variant Classification Sherloc (09022015). Collection method: clinical testing. Allele origin: germline.
Comment: This sequence change replaces histidine, which is basic and polar, with glutamine, which is neutral and polar, at codon 554 of the LAMB1 protein (p.His554Gln). This variant is not present in population databases (gnomAD no frequency). This variant has not been reported in the literature in individuals affected with LAMB1-related conditions. ClinVar contains an entry for this variant (Variation ID: 1952679). An algorithm developed to predict the effect of missense changes on protein structure and function (PolyPhen-2) suggests that this variant is likely to be disruptive. In summary, the available evidence is currently insufficient to determine the role of this variant in disease. Therefore, it has been classified as a Variant of Uncertain Significance.